The following is an entry in ClinVar:

NM_018838.4(NDUFA12):c.-44G>T

Gene: NDUFA12 (NADH:ubiquinone oxidoreductase subunit A12; minus strand). Cytogenetic location: 12q22.
Variant type: single nucleotide variant.
Coding change: c.-44G>T on transcript NM_018838.4; 44 bases upstream of the start codon, G replaced by T.
Genome position (GRCh38, 1-based): chr12:95,003,724, C>A on the plus strand (G>T on the coding strand, the complement: NDUFA12 is on the minus strand). VCF-style: chr12-95003724-C-A. GRCh37 (hg19) VCF-style: chr12-95397500-C-A.
Identifiers: ClinVar variation 390002 (VCV000390002.3), dbSNP rs1057523612, ClinGen allele CA16606616.

ClinVar aggregate classification (germline): Likely benign (1 of 4 stars; one submission).

Allele frequency attached by ClinVar (database versions not stated): gnomAD exomes 0.00001; gnomAD 0.00003; TOPMed 0.00003.

Submission:

GeneDx
Classification: Likely benign. Last evaluated: 2016-10-18. Review status: criteria provided, single submitter. Criteria: GeneDx Variant Classification (06012015). Collection method: clinical testing. Allele origin: germline. Affected: yes.
Comment: This variant is considered likely benign or benign based on one or more of the following criteria: it is a conservative change, it occurs at a poorly conserved position in the protein, it is predicted to be benign by multiple in silico algorithms, and/or has population frequency not consistent with disease.